The following is an entry in ClinVar:

ClinVar aggregate classification (germline): Uncertain significance (1 of 4 stars; one submission).

Conditions:
Luscan-Lumish syndrome. Identifiers: Orphanet 597738, MedGen C4085873, MONDO:0014791, OMIM 616831.

Allele frequency attached by ClinVar (database versions not stated): TOPMed 0.00001.
gnomAD v4.1: 2 of 1,614,112 alleles (0.00012%); highest among the groups gnomAD compares: Admixed American, 0.0017%; no homozygotes.

Submission:

Labcorp Genetics (formerly Invitae), Labcorp
Classification: Uncertain significance for Luscan-Lumish syndrome. Last evaluated: 2019-09-10. Review status: criteria provided, single submitter. Criteria: Invitae Variant Classification Sherloc (09022015). Collection method: clinical testing. Allele origin: germline.
Comment: In summary, the available evidence is currently insufficient to determine the role of this variant in disease. Therefore, it has been classified as a Variant of Uncertain Significance. Algorithms developed to predict the effect of missense changes on protein structure and function are either unavailable or do not agree on the potential impact of this missense change (SIFT: "Deleterious"; PolyPhen-2: "Possibly Damaging"; Align-GVGD: "Class C0"). This variant has not been reported in the literature in individuals with SETD2-related conditions. This variant is not present in population databases (ExAC no frequency). This sequence change replaces serine with cysteine at codon 1263 of the SETD2 protein (p.Ser1263Cys). The serine residue is moderately conserved and there is a moderate physicochemical difference between serine and cysteine.

NM_014159.7(SETD2):c.3788C>G (p.Ser1263Cys)

Gene: SETD2 (SET domain containing 2, histone lysine methyltransferase; minus strand). Cytogenetic location: 3p21.31.
Variant type: single nucleotide variant.
Coding change: c.3788C>G on transcript NM_014159.7 (MANE Select); coding-DNA position 3788, C replaced by G.
Protein change: p.Ser1263Cys; replaces serine 1263 with cysteine.
Molecular consequence: missense variant. On other transcripts: non-coding transcript variant (1).
Genome position (GRCh38, 1-based): chr3:47,120,848, G>C on the plus strand (C>G on the coding strand, the complement: SETD2 is on the minus strand). VCF-style: chr3-47120848-G-C. GRCh37 (hg19) VCF-style: chr3-47162338-G-C.
Other names: c.3656C>G, p.Ser1219Cys (NM_001349370.3); short protein forms S1219C, S1263C.
Identifiers: ClinVar variation 937301 (VCV000937301.6), dbSNP rs760745679, ClinGen allele CA352521170.
Genomic context (GRCh38, chr3:47,120,848, plus strand): 5'-CCACCACAAGCTCCATAGCTACTGTCAGGTTGCTGATACGTGGTAGAAGGCTTTTCTTGA[G>C]AGAAGTCCCAACCTAAGTTTCTGAGCTCTTCTGATGAGTGCAAGCCATCCACATGTGGTA-3'
Protein context (NP_054878.5, residues 1253-1273): EELRNLGWDF[Ser1263Cys]QEKPSTTYQQ